The following is an entry in ClinVar:

ClinVar aggregate classification (germline): Uncertain significance (0 of 4 stars; one submission).

Conditions:
SEMA3B-related disorder. Also called: SEMA3B-related condition.

gnomAD v4.1: 8 of 1,611,084 alleles (0.0005%); highest among the groups gnomAD compares: Non-Finnish European, 0.00068%; no homozygotes.

Submission:

PreventionGenetics, part of Exact Sciences
Classification: Uncertain significance for SEMA3B-related condition. Last evaluated: 2024-05-17. Review status: no assertion criteria provided. Collection method: clinical testing. Allele origin: germline.
Comment: The SEMA3B c.1025C>G variant is predicted to result in the amino acid substitution p.Ser342Cys. To our knowledge, this variant has not been reported in the literature or in a large population database, indicating this variant is rare. At this time, the clinical significance of this variant is uncertain due to the absence of conclusive functional and genetic evidence.

NM_001290060.2(SEMA3B):c.1010C>G (p.Ser337Cys)

Gene: SEMA3B (semaphorin 3B; plus strand). Cytogenetic location: 3p21.31.
Variant type: single nucleotide variant.
Coding change: c.1010C>G on transcript NM_001290060.2 (MANE Select); coding-DNA position 1010, C replaced by G.
Protein change: p.Ser337Cys; replaces serine 337 with cysteine.
Molecular consequence: missense variant. On other transcripts: 5 prime UTR variant (2).
Genome position (GRCh38, 1-based): chr3:50,273,930, C>G. VCF-style: chr3-50273930-C-G. GRCh37 (hg19) VCF-style: chr3-50311361-C-G.
Other names: c.1010C>G, p.Ser337Cys (NM_004636.4); c.1007C>G, p.Ser336Cys (NM_001005914.3); c.1025C>G, p.Ser342Cys (NM_001290061.1); c.-20C>G (NM_001290062.2, NM_001290063.2); short protein forms S336C, S337C, S342C.
Identifiers: ClinVar variation 3352072 (VCV003352072.1).